The following is an entry in ClinVar:

ClinVar aggregate classification (germline): Likely benign. Review status: criteria provided, multiple submitters, no conflicts (2 of 4 stars). 2 submissions from 2 submitters: Likely benign (2). Last evaluated 2025-11-19.

Conditions:
PRKDC-related disorder. Also called: PRKDC-related condition.

Submissions (2):

Ambry Genetics
Classification: Likely benign. Last evaluated: 2025-11-19. Review status: criteria provided, single submitter. Criteria: Ambry Variant Classification Scheme 2023. Collection method: clinical testing. Allele origin: germline.

PreventionGenetics, part of Exact Sciences
Classification: Likely benign for PRKDC-related condition. Last evaluated: 2020-02-12. Review status: criteria provided, single submitter. Criteria: ACMG Guidelines, 2015. Collection method: clinical testing. Allele origin: germline.
Comment: This variant is classified as likely benign based on ACMG/AMP sequence variant interpretation guidelines (Richards et al. 2015 PMID: 25741868, with internal and published modifications).

NM_006904.7(PRKDC):c.11336C>T (p.Ser3779Phe)

Gene: PRKDC (protein kinase, DNA-activated, catalytic subunit; minus strand). Cytogenetic location: 8q11.21.
Variant type: single nucleotide variant.
Coding change: c.11336C>T on transcript NM_006904.7 (MANE Select); coding-DNA position 11336, C replaced by T.
Protein change: p.Ser3779Phe; replaces serine 3779 with phenylalanine.
Molecular consequence: missense variant.
Genome position (GRCh38, 1-based): chr8:47,782,438, G>A on the plus strand (C>T on the coding strand, the complement: PRKDC is on the minus strand). VCF-style: chr8-47782438-G-A. GRCh37 (hg19) VCF-style: chr8-48694999-G-A.
Other names: c.11336C>T, p.Ser3779Phe (NM_001081640.2); short protein forms S3779F.
Identifiers: ClinVar variation 1728929 (VCV001728929.4), dbSNP rs2551860399, ClinGen allele CA371129822.